The following is an entry in ClinVar:

NM_000888.5(ITGB6):c.1060C>T (p.Gln354Ter)

Gene: ITGB6 (integrin subunit beta 6; minus strand). Cytogenetic location: 2q24.2.
Variant type: single nucleotide variant.
Coding change: c.1060C>T on transcript NM_000888.5 (MANE Select); coding-DNA position 1060, C replaced by T.
Protein change: p.Gln354Ter; replaces glutamine 354 with a stop codon.
Molecular consequence: nonsense.
Genome position (GRCh38, 1-based): chr2:160,142,029, G>A on the plus strand (C>T on the coding strand, the complement: ITGB6 is on the minus strand). VCF-style: chr2-160142029-G-A. GRCh37 (hg19) VCF-style: chr2-160998540-G-A.
Other names: c.1060C>T, p.Gln354Ter (NM_001282353.2, NM_001282355.2); c.775C>T, p.Gln259Ter (NM_001282354.2); c.934C>T, p.Gln312Ter (NM_001282388.2); c.841C>T, p.Gln281Ter (NM_001282389.2); c.646C>T, p.Gln216Ter (NM_001282390.2); short protein forms Q216*, Q259*, Q281*, Q312*, Q354*.
Identifiers: ClinVar variation 4813980 (VCV004813980.1).

ClinVar aggregate classification (germline): Pathogenic (0 of 4 stars; one submission).

Conditions:
Amelogenesis imperfecta (AI). Also called: Congenital enamel hypoplasia. Identifiers: Orphanet 88661, MedGen C0002452, MONDO:0019507, HP:0000705.

gnomAD v4.1: 51 of 1,609,740 alleles (0.0032%); highest among the groups gnomAD compares: Non-Finnish European, 0.0042%; no homozygotes.

Submission:

Dental Genetics Laboratory, Seoul National University School of Dentistry
Classification: Pathogenic for Amelogenesis Imperfecta. Review status: no assertion criteria provided. Collection method: clinical testing. Allele origin: paternal. Inheritance: Autosomal recessive inheritance. Affected: yes.
Comment: The CADD (Combined Annotation Dependent Depletion) score was 40.0, indicating an extremely deleterious effect (scores ≥30). This nonsense mutation would likely undergo degradation via the well-known nonsense-mediated mRNA decay (NMD) pathway, which detects premature termination codon (PTC), rather than produce a truncated protein.